The following is an entry in ClinVar:

ClinVar aggregate classification (germline): Uncertain significance (1 of 4 stars; one submission).

Conditions:
Dilated cardiomyopathy 1DD (CMD1DD). Identifiers: Orphanet 154, MedGen C2750995, MONDO:0013168, OMIM 613172.

Allele frequency attached by ClinVar (database versions not stated): gnomAD 0.00001; gnomAD exomes 0.00001.
gnomAD v4.1: 4 of 1,551,950 alleles (0.00026%); highest among the groups gnomAD compares: Non-Finnish European, 0.00035%; no homozygotes.

Submission:

Labcorp Genetics (formerly Invitae), Labcorp
Classification: Uncertain significance for Dilated cardiomyopathy 1DD. Last evaluated: 2024-11-04. Review status: criteria provided, single submitter. Criteria: Invitae Variant Classification Sherloc (09022015). Collection method: clinical testing. Allele origin: germline.
Comment: This sequence change replaces glycine, which is neutral and non-polar, with serine, which is neutral and polar, at codon 583 of the RBM20 protein (p.Gly583Ser). This variant is present in population databases (no rsID available, gnomAD 0.007%). This variant has not been reported in the literature in individuals affected with RBM20-related conditions. ClinVar contains an entry for this variant (Variation ID: 1365484). Invitae Evidence Modeling of protein sequence and biophysical properties (such as structural, functional, and spatial information, amino acid conservation, physicochemical variation, residue mobility, and thermodynamic stability) indicates that this missense variant is not expected to disrupt RBM20 protein function with a negative predictive value of 95%. In summary, the available evidence is currently insufficient to determine the role of this variant in disease. Therefore, it has been classified as a Variant of Uncertain Significance.

NM_001134363.3(RBM20):c.1747G>A (p.Gly583Ser)

Gene: RBM20 (RNA binding motif protein 20; plus strand). Cytogenetic location: 10q25.2.
Variant type: single nucleotide variant.
Coding change: c.1747G>A on transcript NM_001134363.3 (MANE Select); coding-DNA position 1747, G replaced by A.
Protein change: p.Gly583Ser; replaces glycine 583 with serine.
Molecular consequence: missense variant.
Genome position (GRCh38, 1-based): chr10:110,799,865, G>A. VCF-style: chr10-110799865-G-A. GRCh37 (hg19) VCF-style: chr10-112559623-G-A.
Other names: short protein forms G583S.
Identifiers: ClinVar variation 1365484 (VCV001365484.8), dbSNP rs1209985002, ClinGen allele CA378390800.